The following is an entry in ClinVar:

NM_015295.3(SMCHD1):c.3018C>G (p.Asp1006Glu)

Gene: SMCHD1 (structural maintenance of chromosomes flexible hinge domain containing 1; plus strand). Cytogenetic location: 18p11.32.
Variant type: single nucleotide variant.
Coding change: c.3018C>G on transcript NM_015295.3 (MANE Select); coding-DNA position 3018, C replaced by G.
Protein change: p.Asp1006Glu; replaces aspartic acid 1006 with glutamic acid.
Molecular consequence: missense variant.
Genome position (GRCh38, 1-based): chr18:2,729,379, C>G. VCF-style: chr18-2729379-C-G. GRCh37 (hg19) VCF-style: chr18-2729377-C-G.
Other names: c.3018C>G (NM_015295.2); short protein forms D1006E.
Identifiers: ClinVar variation 3708070 (VCV003708070.3).

ClinVar aggregate classification (germline): Uncertain significance. Review status: criteria provided, multiple submitters, no conflicts (2 of 4 stars). 2 submissions from 2 submitters: Uncertain significance (2). Last evaluated 2025-11-09.

Conditions:
Facioscapulohumeral muscular dystrophy 2 (FSHD2). Also called: MUSCULAR DYSTROPHY, FACIOSCAPULOHUMERAL, TYPE 1B; FACIOSCAPULOHUMERAL MUSCULAR DYSTROPHY 2, DIGENIC; FSHD2, DIGENIC. Identifiers: Orphanet 269, MedGen C1834671, MONDO:0008031, OMIM 158901.
Inborn genetic diseases. Identifiers: MedGen C0950123, MeSH D030342.

gnomAD v4.1: 9 of 1,541,214 alleles (0.00058%); highest among the groups gnomAD compares: African/African-American, 0.0041%; no homozygotes.

Submissions (2):

Labcorp Genetics (formerly Invitae), Labcorp
Classification: Uncertain significance for Facioscapulohumeral muscular dystrophy 2. Last evaluated: 2025-11-09. Review status: criteria provided, single submitter. Criteria: Invitae Variant Classification Sherloc (09022015). Collection method: clinical testing. Allele origin: germline.
Comment: This sequence change replaces aspartic acid, which is acidic and polar, with glutamic acid, which is acidic and polar, at codon 1006 of the SMCHD1 protein (p.Asp1006Glu). This variant is present in population databases (rs368934220, gnomAD 0.01%). This variant has not been reported in the literature in individuals affected with SMCHD1-related conditions. ClinVar contains an entry for this variant (Variation ID: 3708070). Invitae Evidence Modeling of protein sequence and biophysical properties (such as structural, functional, and spatial information, amino acid conservation, physicochemical variation, residue mobility, and thermodynamic stability) indicates that this missense variant is not expected to disrupt SMCHD1 protein function with a negative predictive value of 80%. In summary, the available evidence is currently insufficient to determine the role of this variant in disease. Therefore, it has been classified as a Variant of Uncertain Significance.

Ambry Genetics
Classification: Uncertain significance for Inborn genetic diseases. Last evaluated: 2025-01-14. Review status: criteria provided, single submitter. Criteria: Ambry Variant Classification Scheme 2023. Collection method: clinical testing. Allele origin: germline.